The following is an entry in ClinVar:

NM_144631.6(ZNF513):c.728_729delinsTA (p.Cys243Leu)

Gene: ZNF513 (zinc finger protein 513; minus strand). Cytogenetic location: 2p23.3.
Variant type: Indel.
Coding change: c.728_729delinsTA on transcript NM_144631.6 (MANE Select); coding-DNA positions 728 to 729, GC replaced by TA.
Protein change: p.Cys243Leu; replaces cysteine 243 with leucine.
Molecular consequence: missense variant.
Genome position (GRCh38, 1-based): chr2:27,378,537-27,378,538, GC replaced by TA on the plus strand (GC replaced by TA on the coding strand, the reverse complement: ZNF513 is on the minus strand). VCF-style: chr2-27378537-GC-TA. GRCh37 (hg19) VCF-style: chr2-27601404-GC-TA.
Other names: c.542_543delinsTA, p.Cys181Leu (NM_001201459.2); short protein forms C181L, C243L.
Identifiers: ClinVar variation 3693344 (VCV003693344.2).

ClinVar aggregate classification (germline): Uncertain significance (1 of 4 stars; one submission).

Submission:

Labcorp Genetics (formerly Invitae), Labcorp
Classification: Uncertain significance. Last evaluated: 2024-08-31. Review status: criteria provided, single submitter. Criteria: Invitae Variant Classification Sherloc (09022015). Collection method: clinical testing. Allele origin: germline.
Comment: This sequence change replaces cysteine, which is neutral and slightly polar, with leucine, which is neutral and non-polar, at codon 243 of the ZNF513 protein (p.Cys243Leu). Information on the frequency of this variant in the gnomAD database is not available, as this variant may be reported differently in the database. This variant has not been reported in the literature in individuals affected with ZNF513-related conditions. An algorithm developed to predict the effect of missense changes on protein structure and function (PolyPhen-2) suggests that this variant is likely to be tolerated. In summary, the available evidence is currently insufficient to determine the role of this variant in disease. Therefore, it has been classified as a Variant of Uncertain Significance.